The following is an entry in ClinVar:

ClinVar aggregate classification (germline): Pathogenic/Likely pathogenic. Review status: criteria provided, multiple submitters, no conflicts (2 of 4 stars). 3 submissions from 3 submitters: Pathogenic (1); Likely pathogenic (1). 1 of the submissions does not count toward it. Last evaluated 2024-07-29.

Conditions:
Early-infantile DEE. Also called: Early infantile epileptic encephalopathy; Early infantile epileptic encephalopathy with suppression bursts; Ohtahara syndrome. Identifiers: Orphanet 1934, MedGen C0393706, MONDO:0800491.
Severe myoclonic epilepsy in infancy (DRVT). Also called: SEVERE MYOCLONIC EPILEPSY OF INFANCY; DEVELOPMENTAL AND EPILEPTIC ENCEPHALOPATHY 6A; Severe Myoclonic Epilepsy in Infancy (SMEI); Dravet syndrome; Epileptic encephalopathy, early infantile, 6 (Dravet syndrome). Identifiers: Orphanet 33069, MedGen C0751122, MONDO:0100135, OMIM 607208.

Submissions (3):

GeneDx
Classification: Likely pathogenic. Last evaluated: 2024-07-29. Review status: criteria provided, single submitter. Criteria: GeneDx Variant Classification Process June 2021. Collection method: clinical testing. Allele origin: germline. Affected: yes.
Comment: Not observed at significant frequency in large population cohorts (gnomAD); In silico analysis supports that this missense variant has a deleterious effect on protein structure/function; This substitution is predicted to be within the transmembrane segment S2 of the first homologous domain; This variant is associated with the following publications: (PMID: 19589774, 23884151, 24136861, 35074891, 17347258, 18804930)

Labcorp Genetics (formerly Invitae), Labcorp
Classification: Pathogenic for Early-infantile DEE. Last evaluated: 2019-12-24. Review status: criteria provided, single submitter. Criteria: Invitae Variant Classification Sherloc (09022015). Collection method: clinical testing. Allele origin: germline.
Comment: This sequence change replaces alanine with threonine at codon 175 of the SCN1A protein (p.Ala175Thr). The alanine residue is highly conserved and there is a small physicochemical difference between alanine and threonine. This variant is not present in population databases (ExAC no frequency). This variant has been observed in individual(s) with Dravet syndrome (PMID: 17347258, 19589774). In at least one individual the variant was observed to be de novo. ClinVar contains an entry for this variant (Variation ID: 68656). Algorithms developed to predict the effect of missense changes on protein structure and function (SIFT, PolyPhen-2, Align-GVGD) all suggest that this variant is likely to be disruptive, but these predictions have not been confirmed by published functional studies and their clinical significance is uncertain. This variant disrupts the p.Ala175 amino acid residue in SCN1A. Other variant(s) that disrupt this residue have been determined to be pathogenic (PMID: 18930999). This suggests that this residue is clinically significant, and that variants that disrupt this residue are likely to be disease-causing. For these reasons, this variant has been classified as Pathogenic.

UniProtKB/Swiss-Prot
No classification provided. Condition: Severe myoclonic epilepsy in infancy. Review status: no classification provided. Collection method: not provided. Allele origin: germline. Not counted in ClinVar's aggregate classification.

Literature cited by the submitters: PubMed 17347258 (cited by Labcorp Genetics (formerly Invitae), Labcorp); PubMed 19589774 (cited by Labcorp Genetics (formerly Invitae), Labcorp); PubMed 18930999 (cited by Labcorp Genetics (formerly Invitae), Labcorp).

NM_001165963.4(SCN1A):c.523G>A (p.Ala175Thr)

Gene: SCN1A (sodium voltage-gated channel alpha subunit 1; minus strand). Cytogenetic location: 2q24.3.
Variant type: single nucleotide variant.
Coding change: c.523G>A on transcript NM_001165963.4 (MANE Select); coding-DNA position 523, G replaced by A.
Protein change: p.Ala175Thr; replaces alanine 175 with threonine.
Molecular consequence: missense variant. On other transcripts: 5 prime UTR variant (1), non-coding transcript variant (1).
Genome position (GRCh38, 1-based): chr2:166,054,717, C>T on the plus strand (G>A on the coding strand, the complement: SCN1A is on the minus strand). VCF-style: chr2-166054717-C-T. GRCh37 (hg19) VCF-style: chr2-166911227-C-T.
Other names: c.523G>A, p.Ala175Thr (NM_001165964.3, NM_001202435.3, NM_001353948.2 and 10 more transcripts); c.-1903G>A (NM_001353961.2); short protein forms A175T.
Identifiers: ClinVar variation 68656 (VCV000068656.11), dbSNP rs121918767, ClinGen allele CA285225.